The following is an entry in ClinVar:

NM_001256789.3(CACNA1F):c.3887T>A (p.Leu1296His)

Gene: CACNA1F (calcium voltage-gated channel subunit alpha1 F; minus strand). Cytogenetic location: Xp11.23.
Variant type: single nucleotide variant.
Coding change: c.3887T>A on transcript NM_001256789.3 (MANE Select); coding-DNA position 3887, T replaced by A.
Protein change: p.Leu1296His; replaces leucine 1296 with histidine.
Molecular consequence: missense variant.
Genome position (GRCh38, 1-based): chrX:49,212,722, A>T on the plus strand (T>A on the coding strand, the complement: CACNA1F is on the minus strand). VCF-style: chrX-49212722-A-T. GRCh37 (hg19) VCF-style: chrX-49069182-A-T.
Other names: c.3725T>A, p.Leu1242His (NM_001256790.3); c.3920T>A, p.Leu1307His (NM_005183.4); short protein forms L1242H, L1296H, L1307H.
Identifiers: ClinVar variation 1013827 (VCV001013827.8), dbSNP rs2065670110, ClinGen allele CA412962329.
Genomic context (GRCh38, chrX:49,212,722, plus strand): 5'-ATTACCTGGAAGGACTTGATGAATGTCCAGAGCAATGTGCGGATCCCTTCACCCTTACTG[A>T]GAAGCTTGACCAGCCGCATAACTCGGAAGAGGCGAAAGAAGGTAATGGAAATGCGGGAGC-3'
Protein context (NP_001243718.1, residues 1286-1306): LFRVMRLVKL[Leu1296His]SKGEGIRTLL

ClinVar aggregate classification (germline): Uncertain significance (1 of 4 stars; one submission).

Submission:

Labcorp Genetics (formerly Invitae), Labcorp
Classification: Uncertain significance. Last evaluated: 2020-09-18. Review status: criteria provided, single submitter. Criteria: Invitae Variant Classification Sherloc (09022015). Collection method: clinical testing. Allele origin: germline.
Comment: This sequence change replaces leucine with histidine at codon 1307 of the CACNA1F protein (p.Leu1307His). The leucine residue is highly conserved and there is a moderate physicochemical difference between leucine and histidine. This variant has not been reported in the literature in individuals with CACNA1F-related conditions. This variant is not present in population databases (ExAC no frequency). Algorithms developed to predict the effect of missense changes on protein structure and function (SIFT, PolyPhen-2, Align-GVGD) all suggest that this variant is likely to be disruptive, but these predictions have not been confirmed by published functional studies and their clinical significance is uncertain. In summary, the available evidence is currently insufficient to determine the role of this variant in disease. Therefore, it has been classified as a Variant of Uncertain Significance.